The following is an entry in ClinVar:

ClinVar aggregate classification (germline): Uncertain significance (1 of 4 stars; one submission).

gnomAD v4.1: 1 of 1,613,920 alleles (0.000062%); highest among the groups gnomAD compares: Non-Finnish European, 0.000085%; no homozygotes.

Submission:

Labcorp Genetics (formerly Invitae), Labcorp
Classification: Uncertain significance. Last evaluated: 2023-11-14. Review status: criteria provided, single submitter. Criteria: Invitae Variant Classification Sherloc (09022015). Collection method: clinical testing. Allele origin: germline.
Comment: This sequence change replaces isoleucine, which is neutral and non-polar, with leucine, which is neutral and non-polar, at codon 460 of the ERBB4 protein (p.Ile460Leu). This variant is present in population databases (rs747093464, gnomAD 0.0009%). This variant has not been reported in the literature in individuals affected with ERBB4-related conditions. ClinVar contains an entry for this variant (Variation ID: 1524524). Advanced modeling of protein sequence and biophysical properties (such as structural, functional, and spatial information, amino acid conservation, physicochemical variation, residue mobility, and thermodynamic stability) performed at Invitae indicates that this missense variant is not expected to disrupt ERBB4 protein function with a negative predictive value of 80%. In summary, the available evidence is currently insufficient to determine the role of this variant in disease. Therefore, it has been classified as a Variant of Uncertain Significance.

NM_005235.3(ERBB4):c.1378A>C (p.Ile460Leu)

Gene: ERBB4 (erb-b2 receptor tyrosine kinase 4; minus strand). Cytogenetic location: 2q34.
Variant type: single nucleotide variant.
Coding change: c.1378A>C on transcript NM_005235.3 (MANE Select); coding-DNA position 1378, A replaced by C.
Protein change: p.Ile460Leu; replaces isoleucine 460 with leucine.
Molecular consequence: missense variant.
Genome position (GRCh38, 1-based): chr2:211,702,078, T>G on the plus strand (A>C on the coding strand, the complement: ERBB4 is on the minus strand). VCF-style: chr2-211702078-T-G. GRCh37 (hg19) VCF-style: chr2-212566803-T-G.
Other names: c.1378A>C, p.Ile460Leu (NM_001042599.2); short protein forms I460L.
Identifiers: ClinVar variation 1524524 (VCV001524524.6), dbSNP rs747093464, ClinGen allele CA2088144.